The following is an entry in ClinVar:

NM_015378.4(VPS13D):c.11401C>T (p.Arg3801Cys)

Gene: VPS13D (vacuolar protein sorting 13 homolog D; plus strand). Cytogenetic location: 1p36.22.
Variant type: single nucleotide variant.
Coding change: c.11401C>T on transcript NM_015378.4 (MANE Select); coding-DNA position 11401, C replaced by T.
Protein change: p.Arg3801Cys; replaces arginine 3801 with cysteine.
Molecular consequence: missense variant.
Genome position (GRCh38, 1-based): chr1:12,385,290, C>T. VCF-style: chr1-12385290-C-T. GRCh37 (hg19) VCF-style: chr1-12445349-C-T.
Other names: c.11401C>T (NM_015378.2); c.11326C>T, p.Arg3776Cys (NM_018156.4); short protein forms R3776C, R3801C.
Identifiers: ClinVar variation 1481045 (VCV001481045.10), dbSNP rs147684777, ClinGen allele CA603942.
Genomic context (GRCh38, chr1:12,385,290, plus strand): 5'-ATCTTCTTGTGGTGTTTTATTTGACTTCAGATAACAGATTTCTGCCACCGGAAAAGCAGC[C>T]GTTCATATGAAGTGGATGAACTTCCTGTCACCGAACAAGAGCTGCAGAAATTAAAGAATC-3'
Protein context (NP_056193.2, residues 3791-3811): ITDFCHRKSS[Arg3801Cys]SYEVDELPVT

ClinVar aggregate classification (germline): Uncertain significance. Review status: criteria provided, multiple submitters, no conflicts (2 of 4 stars). 2 submissions from 2 submitters: Uncertain significance (2). Last evaluated 2025-09-09.

Conditions:
Inborn genetic diseases. Identifiers: MedGen C0950123, MeSH D030342.

Allele frequency attached by ClinVar (database versions not stated): gnomAD exomes 0.00001 and 0.00002; ExAC 0.00003; gnomAD 0.00006 and 0.00007; TOPMed 0.00007; ESP Exome Variant Server 0.00008; 1000 Genomes Project 30x 0.00016; 1000 Genomes Project 0.00020.
gnomAD v4.1: 23 of 1,613,712 alleles (0.0014%); highest among the groups gnomAD compares: African/African-American, 0.019%; no homozygotes.

Submissions (2):

Ambry Genetics
Classification: Uncertain significance for Inborn genetic diseases. Last evaluated: 2025-09-09. Review status: criteria provided, single submitter. Criteria: Ambry Variant Classification Scheme 2023. Collection method: clinical testing. Allele origin: germline.

Labcorp Genetics (formerly Invitae), Labcorp
Classification: Uncertain significance. Last evaluated: 2024-06-03. Review status: criteria provided, single submitter. Criteria: Invitae Variant Classification Sherloc (09022015). Collection method: clinical testing. Allele origin: germline.
Comment: This sequence change replaces arginine, which is basic and polar, with cysteine, which is neutral and slightly polar, at codon 3801 of the VPS13D protein (p.Arg3801Cys). This variant is present in population databases (rs147684777, gnomAD 0.01%). This variant has not been reported in the literature in individuals affected with VPS13D-related conditions. ClinVar contains an entry for this variant (Variation ID: 1481045). Advanced modeling of protein sequence and biophysical properties (such as structural, functional, and spatial information, amino acid conservation, physicochemical variation, residue mobility, and thermodynamic stability) has been performed at Invitae for this missense variant, however the output from this modeling did not meet the statistical confidence thresholds required to predict the impact of this variant on VPS13D protein function. In summary, the available evidence is currently insufficient to determine the role of this variant in disease. Therefore, it has been classified as a Variant of Uncertain Significance.